The following is an entry in ClinVar:

NM_012414.4(RAB3GAP2):c.2578-6dup

Gene: RAB3GAP2 (RAB3 GTPase activating non-catalytic protein subunit 2; minus strand). Cytogenetic location: 1q41.
Variant type: Duplication.
Coding change: c.2578-6dup on transcript NM_012414.4 (MANE Select); 6 bases into the intron before coding-DNA position 2578, one base duplicated (T; older notation c.2578-6dupT).
Molecular consequence: intron variant.
Genome position (GRCh38, 1-based): chr1:220,171,126, A duplicated on the plus strand (T on the coding strand, the reverse complement: RAB3GAP2 is on the minus strand); the first of 6 consecutive A bases (chr1:220,171,126-220,171,131); duplicating any one gives the same sequence. VCF-style (leftmost placement, unchanged base first): chr1-220171125-T-TA. GRCh37 (hg19) VCF-style: chr1-220344467-T-TA.
Identifiers: ClinVar variation 1933933 (VCV001933933.5), dbSNP rs758289966, ClinGen allele CA1402378.
Genomic context (GRCh38, chr1:220,171,125, plus strand): 5'-GCCTCCCAGGAATCAGTGAGGGCCTCTGAATCAGCACCCAAAACTGTTTGGGAAAACTAA[T>TA]AAAAAATGCACTGGTGATTCTTTGCCAAAGATTCTGAATCAATATTAACTTGAATGAGCT-3'

ClinVar aggregate classification (germline): Conflicting classifications of pathogenicity. Review status: criteria provided, conflicting classifications (1 of 4 stars). 2 submissions from 2 submitters: Uncertain significance (1); Benign (1). Last evaluated 2025-01-21.

Conditions:
Warburg micro syndrome 2 (WARBM2). Also called: MICRO SYNDROME 2. Identifiers: Orphanet 2510, MedGen C3280214, MONDO:0013641, OMIM 614225.
Martsolf syndrome (MARTS). Also called: Congenital cataract with intellectual disability and hypogonadotropic hypogonadism syndrome. Identifiers: Orphanet 1387, MedGen C0796037, MONDO:0023910.

Submissions (2):

Labcorp Genetics (formerly Invitae), Labcorp
Classification: Benign for Martsolf syndrome; Warburg micro syndrome 2. Last evaluated: 2025-01-21. Review status: criteria provided, single submitter. Criteria: Invitae Variant Classification Sherloc (09022015). Collection method: clinical testing. Allele origin: germline.

GeneDx
Classification: Uncertain significance. Last evaluated: 2024-08-23. Review status: criteria provided, single submitter. Criteria: GeneDx Variant Classification Process June 2021. Collection method: clinical testing. Allele origin: germline. Affected: yes.
Comment: Has not been previously published as pathogenic or benign to our knowledge; In silico analysis is inconclusive as to whether the variant alters gene splicing. In the absence of RNA/functional studies, the actual effect of this sequence change is unknown.